The following is an entry in ClinVar:

NM_021922.3(FANCE):c.812C>T (p.Ala271Val)

Gene: FANCE (FA complementation group E; plus strand). Cytogenetic location: 6p21.31.
Variant type: single nucleotide variant.
Coding change: c.812C>T on transcript NM_021922.3 (MANE Select); coding-DNA position 812, C replaced by T.
Protein change: p.Ala271Val; replaces alanine 271 with valine.
Molecular consequence: missense variant.
Genome position (GRCh38, 1-based): chr6:35,456,310, C>T. VCF-style: chr6-35456310-C-T. GRCh37 (hg19) VCF-style: chr6-35424087-C-T.
Other names: short protein forms A271V.
Identifiers: ClinVar variation 408155 (VCV000408155.6), dbSNP rs1060501874, ClinGen allele CA16611972.

ClinVar aggregate classification (germline): Uncertain significance (1 of 4 stars; one submission).

Conditions:
Fanconi anemia complementation group E (FANCE). Also called: FANCE-Related Fanconi Anemia. Identifiers: Orphanet 84, MedGen C3160739, MONDO:0010953, OMIM 600901.

Allele frequency attached by ClinVar (database versions not stated): gnomAD exomes below 0.00001; TOPMed below 0.00001.
gnomAD v4.1: 4 of 1,614,174 alleles (0.00025%); highest among the groups gnomAD compares: Non-Finnish European, 0.00034%; no homozygotes.

Submission:

Labcorp Genetics (formerly Invitae), Labcorp
Classification: Uncertain significance for Fanconi anemia complementation group E. Last evaluated: 2021-09-01. Review status: criteria provided, single submitter. Criteria: Invitae Variant Classification Sherloc (09022015). Collection method: clinical testing. Allele origin: germline.
Comment: This sequence change replaces alanine with valine at codon 271 of the FANCE protein (p.Ala271Val). The alanine residue is moderately conserved and there is a small physicochemical difference between alanine and valine. This variant is not present in population databases (ExAC no frequency). This variant has not been reported in the literature in individuals affected with FANCE-related conditions. Algorithms developed to predict the effect of missense changes on protein structure and function (SIFT, PolyPhen-2, Align-GVGD) all suggest that this variant is likely to be tolerated. In summary, the available evidence is currently insufficient to determine the role of this variant in disease. Therefore, it has been classified as a Variant of Uncertain Significance.